The following is an entry in ClinVar:

ClinVar aggregate classification (germline): Likely benign. Review status: criteria provided, multiple submitters, no conflicts (2 of 4 stars). 4 submissions from 4 submitters: Likely benign (3). 1 of the submissions does not count toward it. Last evaluated 2025-11-20.

Conditions:
G6PD-related disorder. Also called: G6PD-related condition.
Anemia, nonspherocytic hemolytic, due to G6PD deficiency (CNSHA1). Also called: ANEMIA, CONGENITAL, NONSPHEROCYTIC HEMOLYTIC, 1; Class I glucose-6-phosphate dehydrogenase deficiency; Favism, susceptibility to; Hemolytic anemia due to G6PD deficiency. Identifiers: Orphanet 466026, MedGen C2720289, MONDO:0010480, OMIM 300908.

Allele frequency attached by ClinVar (database versions not stated): ExAC 0.00005; gnomAD 0.00005; gnomAD exomes 0.00005 and 0.00011; TOPMed 0.00007.
gnomAD v4.1: 126 of 1,210,475 alleles (0.01%); highest among the groups gnomAD compares: Non-Finnish European, 0.013%; no homozygotes.

Submissions (4):

Labcorp Genetics (formerly Invitae), Labcorp
Classification: Likely benign for Anemia, nonspherocytic hemolytic, due to G6PD deficiency. Last evaluated: 2025-11-20. Review status: criteria provided, single submitter. Criteria: Invitae Variant Classification Sherloc (09022015). Collection method: clinical testing. Allele origin: germline.

ARUP Laboratories, Molecular Genetics and Genomics, ARUP Laboratories
Classification: Likely benign. Last evaluated: 2025-05-06. Review status: criteria provided, single submitter. Criteria: ARUP Molecular Germline Variant Investigation Process 2024. Collection method: clinical testing. Allele origin: germline.

Blueprint Genetics
Classification: Likely benign. Last evaluated: 2024-09-16. Review status: criteria provided, single submitter. Criteria: ACMG Guidelines, 2015. Collection method: clinical testing. Allele origin: germline.

PreventionGenetics, part of Exact Sciences
Classification: Likely benign for G6PD-related condition. Last evaluated: 2023-11-30. Review status: no assertion criteria provided. Collection method: clinical testing. Allele origin: germline. Not counted in ClinVar's aggregate classification.
Comment: This variant is classified as likely benign based on ACMG/AMP sequence variant interpretation guidelines (Richards et al. 2015 PMID: 25741868, with internal and published modifications).

NM_001360016.2(G6PD):c.207C>T (p.Gly69=)

Gene: G6PD (glucose-6-phosphate dehydrogenase; minus strand). Cytogenetic location: Xq28.
Variant type: single nucleotide variant.
Coding change: c.207C>T on transcript NM_001360016.2 (MANE Select); coding-DNA position 207, C replaced by T.
Protein change: p.Gly69=; no amino-acid change (glycine 69 retained).
Molecular consequence: synonymous variant.
Genome position (GRCh38, 1-based): chrX:154,535,997, G>A on the plus strand (C>T on the coding strand, the complement: G6PD is on the minus strand). VCF-style: chrX-154535997-G-A. GRCh37 (hg19) VCF-style: chrX-153764212-G-A.
Other names: c.297C>T, p.Gly99= (NM_000402.4); c.207C>T, p.Gly69= (NM_001042351.3); c.207C>T (NM_001042351.2).
Identifiers: ClinVar variation 1110502 (VCV001110502.13), dbSNP rs782770344, ClinGen allele CA10566302.